The following is an entry in ClinVar:

ClinVar aggregate classification (germline): Uncertain significance (1 of 4 stars; one submission).

Allele frequency attached by ClinVar (database versions not stated): gnomAD 0.00001.

Submission:

GeneDx
Classification: Uncertain significance. Last evaluated: 2019-04-29. Review status: criteria provided, single submitter. Criteria: GeneDx Variant Classification Process June 2021. Collection method: clinical testing. Allele origin: germline. Affected: yes.
Comment: Not observed in large population cohorts (Lek et al., 2016); In silico analysis, which includes protein predictors and evolutionary conservation, supports that this variant does not alter protein structure/function; Has not been previously published as pathogenic or benign to our knowledge

NM_000337.6(SGCD):c.42G>T (p.Met14Ile)

Gene: SGCD (sarcoglycan delta; plus strand). Cytogenetic location: 5q33.3.
Variant type: single nucleotide variant.
Coding change: c.42G>T on transcript NM_000337.6 (MANE Select); coding-DNA position 42, G replaced by T.
Protein change: p.Met14Ile; replaces methionine 14 with isoleucine.
Molecular consequence: missense variant.
Genome position (GRCh38, 1-based): chr5:156,344,527, G>T. VCF-style: chr5-156344527-G-T. GRCh37 (hg19) VCF-style: chr5-155771537-G-T.
Other names: c.39G>T, p.Met13Ile (NM_001128209.2); c.42G>T, p.Met14Ile (NM_172244.3); short protein forms M13I, M14I.
Identifiers: ClinVar variation 1305504 (VCV001305504.2), dbSNP rs1281906026, ClinGen allele CA362007577.